The following is an entry in ClinVar:

ClinVar aggregate classification (germline): Uncertain significance (1 of 4 stars; one submission).

Conditions:
Combined immunodeficiency due to LRBA deficiency. Also called: Common variable immunodeficiency 8, with autoimmunity. Identifiers: Orphanet 445018, MedGen C3553512, MONDO:0013863, OMIM 614700.

Submission:

Labcorp Genetics (formerly Invitae), Labcorp
Classification: Uncertain significance for Combined immunodeficiency due to LRBA deficiency. Last evaluated: 2020-11-14. Review status: criteria provided, single submitter. Criteria: Invitae Variant Classification Sherloc (09022015). Collection method: clinical testing. Allele origin: germline.
Comment: This sequence change replaces threonine with serine at codon 780 of the LRBA protein (p.Thr780Ser). The threonine residue is weakly conserved and there is a small physicochemical difference between threonine and serine. This variant is not present in population databases (ExAC no frequency). This variant has not been reported in the literature in individuals with LRBA-related conditions. Algorithms developed to predict the effect of missense changes on protein structure and function output the following: SIFT: "Tolerated"; PolyPhen-2: "Benign"; Align-GVGD: "Class C0". The serine amino acid residue is found in multiple mammalian species, suggesting that this missense change does not adversely affect protein function. These predictions have not been confirmed by published functional studies and their clinical significance is uncertain. In summary, the available evidence is currently insufficient to determine the role of this variant in disease. Therefore, it has been classified as a Variant of Uncertain Significance.

NM_001364905.1(LRBA):c.2338A>T (p.Thr780Ser)

Gene: LRBA (LPS responsive beige-like anchor protein; minus strand). Cytogenetic location: 4q31.3.
Variant type: single nucleotide variant.
Coding change: c.2338A>T on transcript NM_001364905.1 (MANE Select); coding-DNA position 2338, A replaced by T.
Protein change: p.Thr780Ser; replaces threonine 780 with serine.
Molecular consequence: missense variant.
Genome position (GRCh38, 1-based): chr4:150,871,374, T>A on the plus strand (A>T on the coding strand, the complement: LRBA is on the minus strand). VCF-style: chr4-150871374-T-A. GRCh37 (hg19) VCF-style: chr4-151792526-T-A.
Other names: c.2338A>T, p.Thr780Ser (NM_001199282.3, NM_001367550.1, NM_006726.5); short protein forms T780S.
Identifiers: ClinVar variation 1423120 (VCV001423120.8), dbSNP rs1273184429, ClinGen allele CA358466806.